The following is an entry in ClinVar:

NM_004281.4(BAG3):c.751C>T (p.Gln251Ter)

Gene: BAG3 (BAG cochaperone 3; plus strand). Cytogenetic location: 10q26.11.
Variant type: single nucleotide variant.
Coding change: c.751C>T on transcript NM_004281.4 (MANE Select); coding-DNA position 751, C replaced by T.
Protein change: p.Gln251Ter; replaces glutamine 251 with a stop codon.
Molecular consequence: nonsense.
Genome position (GRCh38, 1-based): chr10:119,672,498, C>T. VCF-style: chr10-119672498-C-T. GRCh37 (hg19) VCF-style: chr10-121432010-C-T.
Other names: short protein forms Q251*.
Identifiers: ClinVar variation 1432977 (VCV001432977.7), dbSNP rs1343231277, ClinGen allele CA378295727.

ClinVar aggregate classification (germline): Pathogenic/Likely pathogenic. Review status: criteria provided, multiple submitters, no conflicts (2 of 4 stars). 2 submissions from 2 submitters: Pathogenic (1); Likely pathogenic (1). Last evaluated 2024-05-29.

Conditions:
Myofibrillar myopathy 6. Identifiers: Orphanet 199340, MedGen C2751831, MONDO:0013061, OMIM 612954.
Dilated cardiomyopathy 1HH (CMD1HH). Identifiers: Orphanet 154, MedGen C3151293, MONDO:0013479, OMIM 613881.

Allele frequency attached by ClinVar (database versions not stated): gnomAD exomes below 0.00001.

Submissions (2):

Fulgent Genetics
Classification: Likely pathogenic for Myofibrillar myopathy 6; Dilated cardiomyopathy 1HH. Last evaluated: 2024-05-29. Review status: criteria provided, single submitter. Criteria: ACMG Guidelines, 2015. Collection method: clinical testing. Allele origin: germline.

Labcorp Genetics (formerly Invitae), Labcorp
Classification: Pathogenic for Dilated cardiomyopathy 1HH; Myofibrillar myopathy 6. Last evaluated: 2023-04-22. Review status: criteria provided, single submitter. Criteria: Invitae Variant Classification Sherloc (09022015). Collection method: clinical testing. Allele origin: germline.
Comment: This sequence change creates a premature translational stop signal (p.Gln251*) in the BAG3 gene. It is expected to result in an absent or disrupted protein product. Loss-of-function variants in BAG3 are known to be pathogenic (PMID: 21353195, 25008357). This variant is present in population databases (no rsID available, gnomAD 0.0009%). This variant has not been reported in the literature in individuals affected with BAG3-related conditions. ClinVar contains an entry for this variant (Variation ID: 1432977). For these reasons, this variant has been classified as Pathogenic.

Literature cited by the submitters: PubMed 21353195 (cited by Labcorp Genetics (formerly Invitae), Labcorp); PubMed 25008357 (cited by Labcorp Genetics (formerly Invitae), Labcorp).